The following is an entry in ClinVar:

ClinVar aggregate classification (germline): Pathogenic. Review status: criteria provided, single submitter (1 of 4 stars). 2 submissions from 2 submitters: Pathogenic (1). 1 of the submissions does not count toward it. Last evaluated 2019-07-15.

Conditions:
Autosomal recessive nonsyndromic hearing loss 1A (DFNB1A). Also called: GJB6-Related DFNB 1 Nonsyndromic Hearing Loss and Deafness; Deafness, autosomal recessive 1A; Connexin 26 deafness; Deafness nonsyndromic, Connexin 26 linked; GJB2-Related Autosomal Recessive Nonsyndromic Hearing Loss; Nonsyndromic Hearing Loss and Deafness, DFNB1. Identifiers: Orphanet 90636, MedGen C2673759, MONDO:0009076, OMIM 220290.

Allele frequency attached by ClinVar (database versions not stated): gnomAD exomes below 0.00001.

Submissions (2):

Labcorp Genetics (formerly Invitae), Labcorp
Classification: Pathogenic. Last evaluated: 2019-07-15. Review status: criteria provided, single submitter. Criteria: Invitae Variant Classification Sherloc (09022015). Collection method: clinical testing. Allele origin: germline.
Comment: This sequence change results in a premature translational stop signal in the GJB2 gene (p.Leu81Alafs*21). While this is not anticipated to result in nonsense mediated decay, it is expected to disrupt the last 146 amino acids of the GJB2 protein. This variant is not present in population databases (ExAC no frequency). This variant has not been reported in the literature in individuals with GJB2-related disease. A different truncation (p.Lys112Glufs*2) that lies downstream of this variant has been determined to be pathogenic (PMID: 9529365, 23141775). This suggests that deletion of this region of the GJB2 protein is causative of disease. For these reasons, this variant has been classified as Pathogenic.

Counsyl
Classification: Likely pathogenic for Autosomal recessive nonsyndromic hearing loss 1A. Last evaluated: 2017-05-17. Review status: no assertion criteria provided. Collection method: clinical testing. Allele origin: unknown. Not counted in ClinVar's aggregate classification.

Literature cited by the submitters: PubMed 9529365 (cited by Labcorp Genetics (formerly Invitae), Labcorp); PubMed 23141775 (cited by Labcorp Genetics (formerly Invitae), Labcorp).

NM_004004.6(GJB2):c.239dup (p.Leu81fs)

Gene: GJB2 (gap junction protein beta 2; minus strand). Cytogenetic location: 13q12.11.
Variant type: Duplication.
Coding change: c.239dup on transcript NM_004004.6 (MANE Select); coding-DNA position 239, one base duplicated (A; older notation c.239dupA).
Protein change: p.Leu81fs; shifts the reading frame from leucine 81.
Molecular consequence: frameshift variant.
Genome position (GRCh38, 1-based): chr13:20,189,343, T duplicated on the plus strand (A on the coding strand, the reverse complement: GJB2 is on the minus strand). VCF-style (leftmost placement, unchanged base first): chr13-20189342-C-CT. GRCh37 (hg19) VCF-style: chr13-20763481-C-CT.
Other names: c.239dupA (NM_004004.5); short protein forms L81fs.
Identifiers: ClinVar variation 551879 (VCV000551879.12), dbSNP rs1555341954, ClinGen allele CA658823472.